The following is an entry in ClinVar:

NM_000256.3(MYBPC3):c.1394dup (p.Met466fs)

Gene: MYBPC3 (myosin binding protein C3; minus strand). Cytogenetic location: 11p11.2.
Variant type: Duplication.
Coding change: c.1394dup on transcript NM_000256.3 (MANE Select); coding-DNA position 1394, one base duplicated (T; older notation c.1394dupT).
Protein change: p.Met466fs; shifts the reading frame from methionine 466.
Molecular consequence: frameshift variant.
Genome position (GRCh38, 1-based): chr11:47,342,893, A duplicated on the plus strand (T on the coding strand, the reverse complement: MYBPC3 is on the minus strand). VCF-style (leftmost placement, unchanged base first): chr11-47342892-C-CA. GRCh37 (hg19) VCF-style: chr11-47364443-C-CA.
Other names: short protein forms M466fs.
Identifiers: ClinVar variation 3572899 (VCV003572899.2).
Genomic context (GRCh38, chr11:47,342,892, plus strand): 5'-TTTGACTTGCGCCCCCTCCTCCGATACTTCACACTCAAACTCCACCCGCTGCCCCACCAT[C>CA]ACCAGCTGGTCCTCCAAGGGGCGCGTGATGAGCACAGGGGGCTCTGTCCAGGCAGGGTGA-3'

ClinVar aggregate classification (germline): Likely pathogenic (1 of 4 stars; one submission).

Conditions:
Hypertrophic cardiomyopathy 4. Also called: Familial hypertrophic cardiomyopathy 4. Identifiers: MedGen C1861862, MONDO:0007268, OMIM 115197.

Submission:

Institute of Human Genetics, University of Leipzig Medical Center
Classification: Likely pathogenic for Hypertrophic cardiomyopathy 4. Last evaluated: 2024-12-02. Review status: criteria provided, single submitter. Criteria: ACMG Guidelines, 2015. Collection method: clinical testing. Allele origin: unknown. Inheritance: Autosomal dominant inheritance. Affected: yes.
Comment: Criteria applied: PVS1,PM2_SUP